The following is an entry in ClinVar:

ClinVar aggregate classification (germline): Benign. Review status: criteria provided, multiple submitters, no conflicts (2 of 4 stars). 12 submissions from 12 submitters: Benign (8). 4 of the submissions do not count toward it. Last evaluated 2026-02-04.

Conditions:
Frontotemporal dementia and/or amyotrophic lateral sclerosis 7 (FTDALS7). Also called: CHMP2B-related frontotemporal dementia; AMYOTROPHIC LATERAL SCLEROSIS, CHMP2B-RELATED; Amyotrophic lateral sclerosis 17; CHMP2B-Related Frontotemporal Dementia-Amyotrophic Lateral Sclerosis. Identifiers: Orphanet 275864, Orphanet 282, Orphanet 803, MedGen C1833296, MONDO:0010936, OMIM 600795.

Allele frequency attached by ClinVar (database versions not stated): ESP Exome Variant Server 0.82031; gnomAD 0.82371 and 0.83212; gnomAD exomes 0.92890 and 0.91159; 1000 Genomes Project 30x 0.80700; TOPMed 0.81737; 1000 Genomes Project 0.81569; ExAC 0.90601.
gnomAD v4.1: 1,480,268 of 1,610,386 alleles (92%); highest among the groups gnomAD compares: South Asian, 94%; 685,636 homozygotes.

Submissions (12):

Labcorp Genetics (formerly Invitae), Labcorp
Classification: Benign for Frontotemporal dementia and/or amyotrophic lateral sclerosis 7. Last evaluated: 2026-02-04. Review status: criteria provided, single submitter. Criteria: Invitae Variant Classification Sherloc (09022015). Collection method: clinical testing. Allele origin: germline.

Genome-Nilou Lab
Classification: Benign for Frontotemporal dementia and/or amyotrophic lateral sclerosis 7. Last evaluated: 2021-07-22. Review status: criteria provided, single submitter. Criteria: ACMG Guidelines, 2015. Collection method: clinical testing. Allele origin: germline. Affected: no.

GeneDx
Classification: Benign. Last evaluated: 2018-07-03. Review status: criteria provided, single submitter. Criteria: GeneDx Variant Classification Process June 2021. Collection method: clinical testing. Allele origin: germline. Affected: yes.

Illumina Laboratory Services, Illumina
Classification: Benign for Frontotemporal dementia and/or amyotrophic lateral sclerosis 7. Last evaluated: 2018-01-13. Review status: criteria provided, single submitter. Criteria: ICSL Variant Classification Criteria 13 December 2019. Collection method: clinical testing. Allele origin: germline.
Comment: This variant was observed in the ICSL laboratory as part of a predisposition screen in an ostensibly healthy population. It had not been previously curated by ICSL or reported in the Human Gene Mutation Database (HGMD: prior to June 1st, 2018), and was therefore a candidate for classification through an automated scoring system. Utilizing variant allele frequency, disease prevalence and penetrance estimates, and inheritance mode, an automated score was calculated to assess if this variant is too frequent to cause the disease. Based on the score and internal cut-off values, a variant classified as benign is not then subjected to further curation. The score for this variant resulted in a classification of benign for this disease.

Athena Diagnostics
Classification: Benign. Last evaluated: 2017-11-17. Review status: criteria provided, single submitter. Criteria: Athena Diagnostics Criteria. Collection method: clinical testing. Allele origin: germline.

Mayo Clinic Laboratories, Mayo Clinic
Classification: Benign. Last evaluated: 2017-07-20. Review status: criteria provided, single submitter. Criteria: ACMG Guidelines, 2015. Collection method: clinical testing. Allele origin: germline. Observed: 1,402 variant alleles.

Breakthrough Genomics
Classification: Benign. Review status: criteria provided, single submitter. Criteria: ACMG Guidelines, 2015. Collection method: not provided. Allele origin: germline. Inheritance: Autosomal dominant inheritance. Affected: yes.

PreventionGenetics, part of Exact Sciences
Classification: Benign. Review status: criteria provided, single submitter. Criteria: ACMG Guidelines, 2015. Collection method: clinical testing. Allele origin: germline.

Clinical Genetics DNA and cytogenetics Diagnostics Lab, Erasmus MC, Erasmus Medical Center
Classification: Benign. Review status: no assertion criteria provided. Collection method: clinical testing. Allele origin: germline. Affected: yes. Study: VKGL Data-share Consensus. Not counted in ClinVar's aggregate classification.

Diagnostic Laboratory, Department of Genetics, University Medical Center Groningen
Classification: Benign. Review status: no assertion criteria provided. Collection method: clinical testing. Allele origin: germline. Affected: yes. Study: VKGL Data-share Consensus. Not counted in ClinVar's aggregate classification.

Genome Diagnostics Laboratory, Amsterdam University Medical Center
Classification: Benign. Review status: no assertion criteria provided. Collection method: clinical testing. Allele origin: germline. Affected: yes. Study: VKGL Data-share Consensus. Not counted in ClinVar's aggregate classification.

VIB  Department of Molecular Genetics, University of Antwerp
No classification provided. Review status: no classification provided. Collection method: not provided. Allele origin: unknown. Not counted in ClinVar's aggregate classification.

NM_014043.4(CHMP2B):c.312T>C (p.Thr104=)

Gene: CHMP2B (charged multivesicular body protein 2B; plus strand). Cytogenetic location: 3p11.2.
Variant type: single nucleotide variant.
Coding change: c.312T>C on transcript NM_014043.4 (MANE Select); coding-DNA position 312, T replaced by C.
Protein change: p.Thr104=; no amino-acid change (threonine 104 retained).
Molecular consequence: synonymous variant.
Genome position (GRCh38, 1-based): chr3:87,245,899, T>C. VCF-style: chr3-87245899-T-C. GRCh37 (hg19) VCF-style: chr3-87295049-T-C.
Other names: p.Thr104=; c.189T>C, p.Thr63= (NM_001244644.2).
Identifiers: ClinVar variation 98000 (VCV000098000.23), dbSNP rs11540913, ClinGen allele CA224968.